The following is an entry in ClinVar:

ClinVar aggregate classification (germline): Conflicting classifications of pathogenicity. Review status: criteria provided, conflicting classifications (1 of 4 stars). 2 submissions from 2 submitters: Uncertain significance (1); Likely benign (1). Last evaluated 2025-04-28.

Conditions:
Hereditary cancer-predisposing syndrome. Also called: Hereditary Cancer Syndrome; Neoplastic Syndromes, Hereditary; Tumor predisposition; Hereditary neoplastic syndrome. Identifiers: Orphanet 140162, MedGen C0027672, MeSH D009386, MONDO:0015356.
Pheochromocytoma/paraganglioma syndrome 5. Also called: Paragangliomas 5; SDHA-Related Hereditary Paraganglioma-Pheochromocytoma Syndrome. Identifiers: Orphanet 29072, MedGen C3279992, MONDO:0013602, OMIM 614165.
Mitochondrial complex II deficiency, nuclear type 1. Also called: SUCCINATE CoQ REDUCTASE DEFICIENCY. Identifiers: Orphanet 3208, MedGen C5700310, MONDO:0100294, OMIM 252011.

gnomAD v4.1: 2 of 1,602,498 alleles (0.00012%); highest among the groups gnomAD compares: African/African-American, 0.0013%; no homozygotes.

Submissions (2):

Labcorp Genetics (formerly Invitae), Labcorp
Classification: Uncertain significance for Pheochromocytoma/paraganglioma syndrome 5; Mitochondrial complex II deficiency, nuclear type 1. Last evaluated: 2025-04-28. Review status: criteria provided, single submitter. Criteria: Invitae Variant Classification Sherloc (09022015). Collection method: clinical testing. Allele origin: germline.
Comment: This sequence change replaces serine, which is neutral and polar, with threonine, which is neutral and polar, at codon 514 of the SDHA protein (p.Ser514Thr). This variant is not present in population databases (gnomAD no frequency). This variant has not been reported in the literature in individuals affected with SDHA-related conditions. ClinVar contains an entry for this variant (Variation ID: 141415). Invitae Evidence Modeling of protein sequence and biophysical properties (such as structural, functional, and spatial information, amino acid conservation, physicochemical variation, residue mobility, and thermodynamic stability) indicates that this missense variant is not expected to disrupt SDHA protein function with a negative predictive value of 95%. In summary, the available evidence is currently insufficient to determine the role of this variant in disease. Therefore, it has been classified as a Variant of Uncertain Significance.

Ambry Genetics
Classification: Likely benign for Hereditary cancer-predisposing syndrome. Last evaluated: 2023-12-13. Review status: criteria provided, single submitter. Criteria: Ambry Variant Classification Scheme 2023. Collection method: clinical testing. Allele origin: germline.

NM_004168.4(SDHA):c.1541G>C (p.Ser514Thr)

Gene: SDHA (succinate dehydrogenase complex flavoprotein subunit A; plus strand). Cytogenetic location: 5p15.33.
Variant type: single nucleotide variant.
Coding change: c.1541G>C on transcript NM_004168.4 (MANE Select); coding-DNA position 1541, G replaced by C.
Protein change: p.Ser514Thr; replaces serine 514 with threonine.
Molecular consequence: missense variant.
Genome position (GRCh38, 1-based): chr5:240,466, G>C. VCF-style: chr5-240466-G-C. GRCh37 (hg19) VCF-style: chr5-240581-G-C.
Other names: c.1397G>C, p.Ser466Thr (NM_001294332.2); c.1541G>C, p.Ser514Thr (NM_001330758.2); short protein forms S514T, S466T.
Identifiers: ClinVar variation 141415 (VCV000141415.14), dbSNP rs587781729, ClinGen allele CA165356.